The following is an entry in ClinVar:

NM_006035.4(CDC42BPB):c.450C>T (p.Tyr150=)

Gene: CDC42BPB (CDC42 binding protein kinase beta; minus strand). Cytogenetic location: 14q32.32.
Variant type: single nucleotide variant.
Coding change: c.450C>T on transcript NM_006035.4 (MANE Select); coding-DNA position 450, C replaced by T.
Protein change: p.Tyr150=; no amino-acid change (tyrosine 150 retained).
Molecular consequence: synonymous variant.
Genome position (GRCh38, 1-based): chr14:102,999,711, G>A on the plus strand (C>T on the coding strand, the complement: CDC42BPB is on the minus strand). VCF-style: chr14-102999711-G-A. GRCh37 (hg19) VCF-style: chr14-103466048-G-A.
Identifiers: ClinVar variation 773282 (VCV000773282.28), dbSNP rs35954043, ClinGen allele CA7361649.

ClinVar aggregate classification (germline): Benign. Review status: criteria provided, multiple submitters, no conflicts (2 of 4 stars). 4 submissions from 4 submitters: Benign (3). 1 of the submissions does not count toward it. Last evaluated 2024-05-01.

Conditions:
CDC42BPB-related disorder.

Allele frequency attached by ClinVar (database versions not stated): 1000 Genomes Project 30x 0.00453; 1000 Genomes Project 0.00459; ExAC 0.00839; gnomAD exomes 0.00889 and 0.01340; ESP Exome Variant Server 0.00892; TOPMed 0.00901; gnomAD 0.00913 and 0.00969.
gnomAD v4.1: 20,888 of 1,614,060 alleles (1.3%); highest among the groups gnomAD compares: Non-Finnish European, 1.6%; 153 homozygotes.

Submissions (4):

CeGaT Center for Human Genetics Tuebingen
Classification: Benign. Last evaluated: 2024-05-01. Review status: criteria provided, single submitter. Criteria: CeGaT Center For Human Genetics Tuebingen Variant Classification Criteria Version 2. Collection method: clinical testing. Allele origin: germline. Affected: yes. Observed: 2 variant alleles.
Comment: CDC42BPB: BP4, BS1, BS2

Labcorp Genetics (formerly Invitae), Labcorp
Classification: Benign. Last evaluated: 2019-12-31. Review status: criteria provided, single submitter. Criteria: Invitae Variant Classification Sherloc (09022015). Collection method: clinical testing. Allele origin: germline.

Breakthrough Genomics
Classification: Benign. Review status: criteria provided, single submitter. Criteria: ACMG Guidelines, 2015. Collection method: not provided. Allele origin: germline. Inheritance: Autosomal dominant inheritance. Affected: yes.

PreventionGenetics, part of Exact Sciences
Classification: Benign for CDC42BPB-related condition. Last evaluated: 2022-07-27. Review status: no assertion criteria provided. Collection method: clinical testing. Allele origin: germline. Not counted in ClinVar's aggregate classification.
Comment: This variant is classified as benign based on ACMG/AMP sequence variant interpretation guidelines (Richards et al. 2015 PMID: 25741868, with internal and published modifications).